The following is an entry in ClinVar:

ClinVar aggregate classification (germline): Uncertain significance (1 of 4 stars; one submission).

Submission:

GeneDx
Classification: Uncertain significance. Last evaluated: 2024-09-20. Review status: criteria provided, single submitter. Criteria: GeneDx Variant Classification Process June 2021. Collection method: clinical testing. Allele origin: germline. Affected: yes.
Comment: Not observed at significant frequency in large population cohorts (gnomAD); In silico analysis supports that this missense variant has a deleterious effect on protein structure/function; Has not been previously published as pathogenic or benign to our knowledge

NM_000297.4(PKD2):c.1012A>G (p.Arg338Gly)

Gene: PKD2 (polycystin 2, transient receptor potential cation channel; plus strand). Cytogenetic location: 4q22.1.
Variant type: single nucleotide variant.
Coding change: c.1012A>G on transcript NM_000297.4 (MANE Select); coding-DNA position 1012, A replaced by G.
Protein change: p.Arg338Gly; replaces arginine 338 with glycine.
Molecular consequence: missense variant. On other transcripts: non-coding transcript variant (1).
Genome position (GRCh38, 1-based): chr4:88,038,419, A>G. VCF-style: chr4-88038419-A-G. GRCh37 (hg19) VCF-style: chr4-88959571-A-G.
Other names: short protein forms R338G.
Identifiers: ClinVar variation 3774011 (VCV003774011.1).